The following is an entry in ClinVar:

NM_000306.4(POU1F1):c.23C>A (p.Ser8Ter)

Gene: POU1F1 (POU class 1 homeobox 1; minus strand). Cytogenetic location: 3p11.2.
Variant type: single nucleotide variant.
Coding change: c.23C>A on transcript NM_000306.4 (MANE Select); coding-DNA position 23, C replaced by A.
Protein change: p.Ser8Ter; replaces serine 8 with a stop codon.
Molecular consequence: nonsense.
Genome position (GRCh38, 1-based): chr3:87,276,440, G>T on the plus strand (C>A on the coding strand, the complement: POU1F1 is on the minus strand). VCF-style: chr3-87276440-G-T. GRCh37 (hg19) VCF-style: chr3-87325590-G-T.
Other names: c.23C>A, p.Ser8Ter (NM_001122757.3); short protein forms S8*.
Identifiers: ClinVar variation 2787075 (VCV002787075.3), dbSNP rs1312054803, ClinGen allele CA353696119.

ClinVar aggregate classification (germline): Pathogenic (1 of 4 stars; one submission).

Submission:

Labcorp Genetics (formerly Invitae), Labcorp
Classification: Pathogenic. Last evaluated: 2023-05-27. Review status: criteria provided, single submitter. Criteria: Invitae Variant Classification Sherloc (09022015). Collection method: clinical testing. Allele origin: germline.
Comment: For these reasons, this variant has been classified as Pathogenic. This variant has not been reported in the literature in individuals affected with POU1F1-related conditions. This variant is not present in population databases (gnomAD no frequency). This sequence change creates a premature translational stop signal (p.Ser8*) in the POU1F1 gene. It is expected to result in an absent or disrupted protein product. Loss-of-function variants in POU1F1 are known to be pathogenic (PMID: 1472057, 9392392, 15844473, 15928241).

Literature cited by the submitters: PubMed 1472057; PubMed 9392392; PubMed 15844473; PubMed 15928241.